The following is an entry in ClinVar:

NM_182914.3(SYNE2):c.14369T>C (p.Met4790Thr)

Gene: SYNE2 (spectrin repeat containing nuclear envelope protein 2; plus strand). Cytogenetic location: 14q23.2.
Variant type: single nucleotide variant.
Coding change: c.14369T>C on transcript NM_182914.3 (MANE Select); coding-DNA position 14369, T replaced by C.
Protein change: p.Met4790Thr; replaces methionine 4790 with threonine.
Molecular consequence: missense variant.
Genome position (GRCh38, 1-based): chr14:64,132,293, T>C. VCF-style: chr14-64132293-T-C. GRCh37 (hg19) VCF-style: chr14-64599011-T-C.
Other names: c.14369T>C, p.Met4790Thr (NM_015180.6); short protein forms M4790T.
Identifiers: ClinVar variation 1492017 (VCV001492017.6), dbSNP rs2153681775, ClinGen allele CA389982850.

ClinVar aggregate classification (germline): Uncertain significance (1 of 4 stars; one submission).

Conditions:
Emery-Dreifuss muscular dystrophy 5, autosomal dominant (EDMD5). Also called: EMERY-DREIFUSS MUSCULAR DYSTROPHY 5. Identifiers: Orphanet 261, MedGen C2751805, MONDO:0013072, OMIM 612999.

Submission:

Labcorp Genetics (formerly Invitae), Labcorp
Classification: Uncertain significance for Emery-Dreifuss muscular dystrophy 5, autosomal dominant. Last evaluated: 2021-11-01. Review status: criteria provided, single submitter. Criteria: Invitae Variant Classification Sherloc (09022015). Collection method: clinical testing. Allele origin: germline.
Comment: This sequence change replaces methionine, which is neutral and non-polar, with threonine, which is neutral and polar, at codon 4790 of the SYNE2 protein (p.Met4790Thr). This variant is not present in population databases (gnomAD no frequency). This variant has not been reported in the literature in individuals affected with SYNE2-related conditions. Algorithms developed to predict the effect of missense changes on protein structure and function are either unavailable or do not agree on the potential impact of this missense change (SIFT: "Deleterious"; PolyPhen-2: "Possibly Damaging"; Align-GVGD: "Class C0"). In summary, the available evidence is currently insufficient to determine the role of this variant in disease. Therefore, it has been classified as a Variant of Uncertain Significance.